The following is an entry in ClinVar:

NM_001101426.4(CRPPA):c.*2328G>A

Gene: CRPPA (CDP-L-ribitol pyrophosphorylase A; minus strand). Cytogenetic location: 7p21.2.
Variant type: single nucleotide variant.
Coding change: c.*2328G>A on transcript NM_001101426.4 (MANE Select); 2328 bases downstream of the stop codon, G replaced by A.
Molecular consequence: 3 prime UTR variant. On other transcripts: non-coding transcript variant (1).
Genome position (GRCh38, 1-based): chr7:16,089,367, C>T on the plus strand (G>A on the coding strand, the complement: CRPPA is on the minus strand). VCF-style: chr7-16089367-C-T. GRCh37 (hg19) VCF-style: chr7-16128992-C-T.
Other names: c.*2328G>A (NM_001101417.4, NM_001368197.1).
Identifiers: ClinVar variation 911760 (VCV000911760.4), dbSNP rs199541295, ClinGen allele CA154724320.
Genomic context (GRCh38, chr7:16,089,367, plus strand): 5'-TGTGTATGCGTACGTATATAAATATATGTGTGTATGCGTACGTATATACATACATACATG[C>T]ATGTACATATATACGTATATATGTATGTACATAATGTGTATATATGTACGTACATACATA-3'

ClinVar aggregate classification (germline): Benign (1 of 4 stars; one submission).

Conditions:
Congenital Muscular Dystrophy, alpha-dystroglycan related.

Allele frequency attached by ClinVar (database versions not stated): 1000 Genomes Project 0.11082.

Submission:

Illumina Laboratory Services, Illumina
Classification: Benign for Congenital Muscular Dystrophy, alpha-dystroglycan related. Last evaluated: 2018-01-13. Review status: criteria provided, single submitter. Criteria: ICSL Variant Classification Criteria 13 December 2019. Collection method: clinical testing. Allele origin: germline.
Comment: This variant was observed in the ICSL laboratory as part of a predisposition screen in an ostensibly healthy population. It had not been previously curated by ICSL or reported in the Human Gene Mutation Database (HGMD: prior to June 1st, 2018), and was therefore a candidate for classification through an automated scoring system. Utilizing variant allele frequency, disease prevalence and penetrance estimates, and inheritance mode, an automated score was calculated to assess if this variant is too frequent to cause the disease. Based on the score and internal cut-off values, a variant classified as benign is not then subjected to further curation. The score for this variant resulted in a classification of benign for this disease.